The following is an entry in ClinVar:

NM_001164508.2(NEB):c.21908C>A (p.Thr7303Lys)

Genes: NEB (nebulin; minus strand), RIF1 (replication timing regulatory factor 1; plus strand). Cytogenetic location: 2q23.3.
Variant type: single nucleotide variant.
Coding change: c.21908C>A on transcript NM_001164508.2 (MANE Select); coding-DNA position 21908, C replaced by A.
Protein change: p.Thr7303Lys; replaces threonine 7303 with lysine.
Molecular consequence: missense variant.
Genome position (GRCh38, 1-based): chr2:151,526,955, G>T on the plus strand (C>A on the coding strand, the complement: NEB is on the minus strand). VCF-style: chr2-151526955-G-T. GRCh37 (hg19) VCF-style: chr2-152383469-G-T.
Other names: c.21908C>A, p.Thr7303Lys (NM_001164507.2); c.22013C>A, p.Thr7338Lys (NM_001271208.2); c.16805C>A, p.Thr5602Lys (NM_004543.5); short protein forms T7338K, T5602K, T7303K.
Identifiers: ClinVar variation 4732650 (VCV004732650.1).

ClinVar aggregate classification (germline): Uncertain significance (1 of 4 stars; one submission).

Conditions:
Nemaline myopathy 2 (NEM2). Also called: Nemaline myopathy 2, autosomal recessive. Identifiers: MedGen C1850569, MONDO:0009725, OMIM 256030.

Submission:

Labcorp Genetics (formerly Invitae), Labcorp
Classification: Uncertain significance for Nemaline myopathy 2. Last evaluated: 2025-12-15. Review status: criteria provided, single submitter. Criteria: Invitae Variant Classification Sherloc (09022015). Collection method: clinical testing. Allele origin: germline.
Comment: This sequence change replaces threonine, which is neutral and polar, with lysine, which is basic and polar, at codon 7338 of the NEB protein (p.Thr7338Lys). This variant is not present in population databases (gnomAD no frequency). This variant has not been reported in the literature in individuals affected with NEB-related conditions. Experimental studies and prediction algorithms are not available or were not evaluated, and the functional significance of this variant is currently unknown. In summary, the available evidence is currently insufficient to determine the role of this variant in disease. Therefore, it has been classified as a Variant of Uncertain Significance.